The following is an entry in ClinVar:

ClinVar aggregate classification (germline): Conflicting classifications of pathogenicity. Review status: criteria provided, conflicting classifications (1 of 4 stars). 2 submissions from 2 submitters: Uncertain significance (1); Likely benign (1). Last evaluated 2024-10-24.

Conditions:
Peroxisome biogenesis disorder. Identifiers: Orphanet 79189, MedGen C1832200, MONDO:0019234. Disease mechanism: loss of function.
Inborn genetic diseases. Identifiers: MedGen C0950123, MeSH D030342.

Allele frequency attached by ClinVar (database versions not stated): gnomAD 0.00001; gnomAD exomes 0.00001; TOPMed 0.00002; ExAC 0.00004.
gnomAD v4.1: 10 of 1,612,952 alleles (0.00062%); highest among the groups gnomAD compares: Non-Finnish European, 0.00085%; no homozygotes.

Submissions (2):

Labcorp Genetics (formerly Invitae), Labcorp
Classification: Uncertain significance for Peroxisome biogenesis disorder. Last evaluated: 2024-10-24. Review status: criteria provided, single submitter. Criteria: Invitae Variant Classification Sherloc (09022015). Collection method: clinical testing. Allele origin: germline.
Comment: This sequence change replaces arginine, which is basic and polar, with glutamine, which is neutral and polar, at codon 606 of the PEX6 protein (p.Arg606Gln). This variant is present in population databases (rs780239941, gnomAD 0.004%). This variant has not been reported in the literature in individuals affected with PEX6-related conditions. ClinVar contains an entry for this variant (Variation ID: 1427472). Invitae Evidence Modeling of protein sequence and biophysical properties (such as structural, functional, and spatial information, amino acid conservation, physicochemical variation, residue mobility, and thermodynamic stability) indicates that this missense variant is not expected to disrupt PEX6 protein function with a negative predictive value of 95%. In summary, the available evidence is currently insufficient to determine the role of this variant in disease. Therefore, it has been classified as a Variant of Uncertain Significance.

Ambry Genetics
Classification: Likely benign for Inborn genetic diseases. Last evaluated: 2021-12-14. Review status: criteria provided, single submitter. Criteria: Ambry Variant Classification Scheme 2023. Collection method: clinical testing. Allele origin: germline.

NM_000287.4(PEX6):c.1817G>A (p.Arg606Gln)

Gene: PEX6 (peroxisomal biogenesis factor 6; minus strand). Cytogenetic location: 6p21.1.
Variant type: single nucleotide variant.
Coding change: c.1817G>A on transcript NM_000287.4 (MANE Select); coding-DNA position 1817, G replaced by A.
Protein change: p.Arg606Gln; replaces arginine 606 with glutamine.
Molecular consequence: missense variant. On other transcripts: non-coding transcript variant (1).
Genome position (GRCh38, 1-based): chr6:42,967,435, C>T on the plus strand (G>A on the coding strand, the complement: PEX6 is on the minus strand). VCF-style: chr6-42967435-C-T. GRCh37 (hg19) VCF-style: chr6-42935173-C-T.
Other names: c.1553G>A, p.Arg518Gln (NM_001316313.2); c.1817G>A (NM_000287.3); short protein forms R518Q, R606Q.
Identifiers: ClinVar variation 1427472 (VCV001427472.7), dbSNP rs780239941, ClinGen allele CA3811212.